The following is an entry in ClinVar:

NM_000142.5(FGFR3):c.70T>A (p.Ser24Thr)

Gene: FGFR3 (fibroblast growth factor receptor 3; plus strand). Cytogenetic location: 4p16.3.
Variant type: single nucleotide variant.
Coding change: c.70T>A on transcript NM_000142.5 (MANE Select); coding-DNA position 70, T replaced by A.
Protein change: p.Ser24Thr; replaces serine 24 with threonine.
Molecular consequence: missense variant. On other transcripts: non-coding transcript variant (1).
Genome position (GRCh38, 1-based): chr4:1,794,004, T>A. VCF-style: chr4-1794004-T-A. GRCh37 (hg19) VCF-style: chr4-1795731-T-A.
Other names: c.70T>A, p.Ser24Thr (NM_001163213.2, NM_001354809.2, NM_001354810.2 and 1 more transcripts); short protein forms S24T.
Identifiers: ClinVar variation 3373281 (VCV003373281.1).
Genomic context (GRCh38, chr4:1,794,004, plus strand): 5'-CCTGCCTGCGCCCTCGCGCTCTGCGTGGCCGTGGCCATCGTGGCCGGCGCCTCCTCGGAG[T>A]CCTTGGGGACGGAGCAGCGCGTCGTGGGGCGAGCGGCAGGTAAGAAGGGACCCACTAGGC-3'
Protein context (NP_000133.1, residues 14-34): VAIVAGASSE[Ser24Thr]LGTEQRVVGR

ClinVar aggregate classification (germline): Uncertain significance (1 of 4 stars; one submission).

Submission:

GeneDx
Classification: Uncertain significance. Last evaluated: 2024-05-03. Review status: criteria provided, single submitter. Criteria: GeneDx Variant Classification Process June 2021. Collection method: clinical testing. Allele origin: germline. Affected: yes.
Comment: In silico analysis indicates that this missense variant does not alter protein structure/function; Has not been previously published as pathogenic or benign to our knowledge